The following is an entry in ClinVar:

ClinVar aggregate classification (germline): Uncertain significance (1 of 4 stars; one submission).

Conditions:
Cardiomyopathy (CMYO). Also called: Cardiomyopathies. Identifiers: Orphanet 167848, MedGen C0878544, MONDO:0004994, HP:0001638. Inheritance: Various modes of inheritance.

Submission:

Color Diagnostics, LLC DBA Color Health
Classification: Uncertain significance for Cardiomyopathy. Last evaluated: 2024-03-16. Review status: criteria provided, single submitter. Criteria: ACMG Guidelines, 2015. Collection method: clinical testing. Allele origin: germline.
Comment: This missense variant replaces threonine with alanine at codon 1423 of the RYR2 protein. Computational prediction suggests that this variant may not impact protein structure and function (internally defined REVEL score threshold <= 0.5, PMID: 27666373). To our knowledge, functional studies have not been reported for this variant. This variant has not been reported in individuals affected with RYR2-related disorders in the literature. This variant has not been identified in the general population by the Genome Aggregation Database (gnomAD). The available evidence is insufficient to determine the role of this variant in disease conclusively. Therefore, this variant is classified as a Variant of Uncertain Significance.

NM_001035.3(RYR2):c.4267A>G (p.Thr1423Ala)

Gene: RYR2 (ryanodine receptor 2; plus strand). Cytogenetic location: 1q43.
Variant type: single nucleotide variant.
Coding change: c.4267A>G on transcript NM_001035.3 (MANE Select); coding-DNA position 4267, A replaced by G.
Protein change: p.Thr1423Ala; replaces threonine 1423 with alanine.
Molecular consequence: missense variant.
Genome position (GRCh38, 1-based): chr1:237,591,845, A>G. VCF-style: chr1-237591845-A-G. GRCh37 (hg19) VCF-style: chr1-237755145-A-G.
Other names: short protein forms T1423A.
Identifiers: ClinVar variation 3894326 (VCV003894326.1).
Genomic context (GRCh38, chr1:237,591,845, plus strand): 5'-GCAAGACTCACCGAAGATGTCCTTGCTGATGATCGGGATGACTATGATTTCTTGATGCAA[A>G]CGTCCACGGTATGAGGTTGCAGCTTTTGTCGTTTATTTCTATCTGTCACTCATTATGTTT-3'
Protein context (NP_001026.2, residues 1413-1433): DRDDYDFLMQ[Thr1423Ala]STYYYSVRIF